The following is an entry in ClinVar:

ClinVar aggregate classification (germline): Uncertain significance (1 of 4 stars; one submission).

Conditions:
Chopra-Amiel-Gordon syndrome (CAGS). Also called: ANKRD17-Related Neurodevelopmental Syndrome. Identifiers: MedGen C5561975, MONDO:0859186, OMIM 619504.

Submission:

Laboratorio de Genetica e Diagnostico Molecular, Hospital Israelita Albert Einstein
Classification: Uncertain significance for Chopra-Amiel-Gordon syndrome. Last evaluated: 2023-06-21. Review status: criteria provided, single submitter. Criteria: ACMG Guidelines, 2015. Collection method: clinical testing. Allele origin: germline. Affected: yes.
Comment: ACMG classification criteria: PM2 moderate, PP2 supporting

NM_032217.5(ANKRD17):c.2143T>A (p.Tyr715Asn)

Gene: ANKRD17 (ankyrin repeat domain 17; minus strand). Cytogenetic location: 4q13.3.
Variant type: single nucleotide variant.
Coding change: c.2143T>A on transcript NM_032217.5 (MANE Select); coding-DNA position 2143, T replaced by A.
Protein change: p.Tyr715Asn; replaces tyrosine 715 with asparagine.
Molecular consequence: missense variant.
Genome position (GRCh38, 1-based): chr4:73,142,328, A>T on the plus strand (T>A on the coding strand, the complement: ANKRD17 is on the minus strand). VCF-style: chr4-73142328-A-T. GRCh37 (hg19) VCF-style: chr4-74008045-A-T.
Other names: c.1804T>A, p.Tyr602Asn (NM_001286771.3); c.2143T>A, p.Tyr715Asn (NM_015574.2, NM_198889.3); short protein forms Y602N, Y715N.
Identifiers: ClinVar variation 3901047 (VCV003901047.1).